The following is an entry in ClinVar:

ClinVar aggregate classification (germline): Uncertain significance. Review status: criteria provided, multiple submitters, no conflicts (2 of 4 stars). 10 submissions from 8 submitters: Uncertain significance (9). 1 of the submissions does not count toward it. Last evaluated 2026-08-05.

Conditions:
RPGRIP1L-related disorder. Also called: RPGRIP1L-related disorders; RPGRIP1L-related condition. Identifiers: MedGen CN239416.
Inborn genetic diseases. Identifiers: MedGen C0950123, MeSH D030342.
Joubert syndrome 7 (JBTS7). Identifiers: Orphanet 220497, MedGen C1969053, MONDO:0012694, OMIM 611560.
Meckel syndrome, type 5 (MKS5). Identifiers: Orphanet 564, MedGen C1969052, MONDO:0012695, OMIM 611561.
COACH syndrome 3. Identifiers: MedGen C5436841, MONDO:0030862, OMIM 619113.
Joubert syndrome. Also called: Familial aplasia of the vermis; JOUBERT-BOLTSHAUSER SYNDROME. Identifiers: Orphanet 475, MedGen C5979921, MONDO:0018772.
Meckel-Gruber syndrome. Also called: DYSENCEPHALIA SPLANCHNOCYSTICA; GRUBER SYNDROME; Dysencephalia splachnocystica. Identifiers: Orphanet 564, MedGen C0265215, MONDO:0018921.
Nephronophthisis 8. Identifiers: MedGen CN119610.

Allele frequency attached by ClinVar (database versions not stated): ExAC 0.00002; gnomAD exomes 0.00004 and 0.00015; TOPMed 0.00005; gnomAD 0.00007; ESP Exome Variant Server 0.00008.
gnomAD v4.1: 226 of 1,613,752 alleles (0.014%); highest among the groups gnomAD compares: Non-Finnish European, 0.019%; no homozygotes.

Submissions (10):

PreventionGenetics, part of Exact Sciences
Classification: Uncertain significance for RPGRIP1L-related condition. Last evaluated: 2026-08-05. Review status: criteria provided, single submitter. Criteria: ACMG Guidelines, 2015. Collection method: clinical testing. Allele origin: germline.
Comment: The RPGRIP1L c.217G>C variant is predicted to result in the amino acid substitution p.Asp73His. To our knowledge, this variant has not been reported in the literature. This variant is reported in 0.0088% of alleles in individuals of European (Non-Finnish) descent in gnomAD. At this time, the clinical significance of this variant is uncertain due to the absence of conclusive functional and genetic evidence.

Fulgent Genetics
Classification: Uncertain significance for Joubert syndrome 7; Meckel syndrome, type 5; COACH syndrome 3. Last evaluated: 2024-06-18. Review status: criteria provided, single submitter. Criteria: ACMG Guidelines, 2015. Collection method: clinical testing. Allele origin: germline.

Blueprint Genetics
Classification: Uncertain significance. Last evaluated: 2024-02-26. Review status: criteria provided, single submitter. Criteria: ACMG Guidelines, 2015. Collection method: clinical testing. Allele origin: germline.

Labcorp Genetics (formerly Invitae), Labcorp
Classification: Uncertain significance for Joubert syndrome; Meckel-Gruber syndrome. Last evaluated: 2022-08-31. Review status: criteria provided, single submitter. Criteria: Invitae Variant Classification Sherloc (09022015). Collection method: clinical testing. Allele origin: germline.
Comment: This sequence change replaces aspartic acid, which is acidic and polar, with histidine, which is basic and polar, at codon 73 of the RPGRIP1L protein (p.Asp73His). This variant is present in population databases (rs369451829, gnomAD 0.009%). This variant has not been reported in the literature in individuals affected with RPGRIP1L-related conditions. ClinVar contains an entry for this variant (Variation ID: 319669). Algorithms developed to predict the effect of missense changes on protein structure and function are either unavailable or do not agree on the potential impact of this missense change (SIFT: "Deleterious"; PolyPhen-2: "Possibly Damaging"; Align-GVGD: "Class C0"). In summary, the available evidence is currently insufficient to determine the role of this variant in disease. Therefore, it has been classified as a Variant of Uncertain Significance.

Ambry Genetics
Classification: Uncertain significance for Inborn genetic diseases. Last evaluated: 2021-07-14. Review status: criteria provided, single submitter. Criteria: Ambry Variant Classification Scheme 2023. Collection method: clinical testing. Allele origin: germline.

GeneDx
Classification: Uncertain significance. Last evaluated: 2020-01-03. Review status: criteria provided, single submitter. Criteria: GeneDx Variant Classification Process June 2021. Collection method: clinical testing. Allele origin: germline. Affected: yes.
Comment: In silico analysis, which includes protein predictors and evolutionary conservation, supports a deleterious effect; Has not been previously published as pathogenic or benign to our knowledge

Illumina Laboratory Services, Illumina
Classification: Uncertain significance for Joubert syndrome 7. Last evaluated: 2018-01-13. Review status: criteria provided, single submitter. Criteria: ICSL Variant Classification Criteria 13 December 2019. Collection method: clinical testing. Allele origin: germline.

Illumina Laboratory Services, Illumina
Classification: Uncertain significance for Meckel syndrome, type 5. Last evaluated: 2018-01-13. Review status: criteria provided, single submitter. Criteria: ICSL Variant Classification Criteria 13 December 2019. Collection method: clinical testing. Allele origin: germline.

Illumina Laboratory Services, Illumina
Classification: Uncertain significance for Nephronophthisis 8. Last evaluated: 2018-01-13. Review status: criteria provided, single submitter. Criteria: ICSL Variant Classification Criteria 13 December 2019. Collection method: clinical testing. Allele origin: germline.

Natera, Inc.
Classification: Uncertain significance for Joubert syndrome. Last evaluated: 2020-09-16. Review status: no assertion criteria provided. Collection method: clinical testing. Allele origin: germline. Not counted in ClinVar's aggregate classification.

NM_015272.5(RPGRIP1L):c.217G>C (p.Asp73His)

Gene: RPGRIP1L (RPGRIP1 like; minus strand). Cytogenetic location: 16q12.2.
Variant type: single nucleotide variant.
Coding change: c.217G>C on transcript NM_015272.5 (MANE Select); coding-DNA position 217, G replaced by C.
Protein change: p.Asp73His; replaces aspartic acid 73 with histidine.
Molecular consequence: missense variant.
Genome position (GRCh38, 1-based): chr16:53,696,164, C>G on the plus strand (G>C on the coding strand, the complement: RPGRIP1L is on the minus strand). VCF-style: chr16-53696164-C-G. GRCh37 (hg19) VCF-style: chr16-53730076-C-G.
Other names: c.217G>C, p.Asp73His (NM_001127897.4, NM_001308334.3, NM_001328422.2 and 2 more transcripts); c.217G>C (NM_015272.4); short protein forms D73H.
Identifiers: ClinVar variation 319669 (VCV000319669.17), dbSNP rs369451829, ClinGen allele CA8058185.
Genomic context (GRCh38, chr16:53,696,164, plus strand): 5'-AAATTTTACTGAGTCAAGAAAAAAAGCTAAAAGCTTTTTATCATAACCTTTTAATTTTAT[C>G]CTCCTGCTTGCGGGCATGCTGTTTAAGTAAAATGTTCTCATCATGCAAACGCAAAAATCT-3'
Protein context (NP_056087.2, residues 63-83): LLKQHARKQE[Asp73His]KIKRMATKLI